The following is an entry in ClinVar:

ClinVar aggregate classification (germline): Uncertain significance. Review status: criteria provided, multiple submitters, no conflicts (2 of 4 stars). 2 submissions from 2 submitters: Uncertain significance (2). Last evaluated 2022-12-08.

Allele frequency attached by ClinVar (database versions not stated): TOPMed below 0.00001; gnomAD 0.00001; gnomAD exomes 0.00001.
gnomAD v4.1: 11 of 1,603,616 alleles (0.00069%); highest among the groups gnomAD compares: Non-Finnish European, 0.00093%; no homozygotes.

Submissions (2):

GeneDx
Classification: Uncertain significance. Last evaluated: 2022-12-08. Review status: criteria provided, single submitter. Criteria: GeneDx Variant Classification Process June 2021. Collection method: clinical testing. Allele origin: germline. Affected: yes.
Comment: Not observed at significant frequency in large population cohorts (gnomAD); In silico analysis supports that this missense variant does not alter protein structure/function; Has not been previously published as pathogenic or benign to our knowledge

Labcorp Genetics (formerly Invitae), Labcorp
Classification: Uncertain significance. Last evaluated: 2022-03-02. Review status: criteria provided, single submitter. Criteria: Invitae Variant Classification Sherloc (09022015). Collection method: clinical testing. Allele origin: germline.
Comment: This variant is not present in population databases (gnomAD no frequency). In summary, the available evidence is currently insufficient to determine the role of this variant in disease. Therefore, it has been classified as a Variant of Uncertain Significance. Algorithms developed to predict the effect of missense changes on protein structure and function (SIFT, PolyPhen-2, Align-GVGD) all suggest that this variant is likely to be disruptive. This variant has not been reported in the literature in individuals affected with LTBP2-related conditions. This sequence change replaces serine, which is neutral and polar, with asparagine, which is neutral and polar, at codon 70 of the LTBP2 protein (p.Ser70Asn).

NM_000428.3(LTBP2):c.209G>A (p.Ser70Asn)

Gene: LTBP2 (latent transforming growth factor beta binding protein 2; minus strand). Cytogenetic location: 14q24.3.
Variant type: single nucleotide variant.
Coding change: c.209G>A on transcript NM_000428.3 (MANE Select); coding-DNA position 209, G replaced by A.
Protein change: p.Ser70Asn; replaces serine 70 with asparagine.
Molecular consequence: missense variant.
Genome position (GRCh38, 1-based): chr14:74,611,736, C>T on the plus strand (G>A on the coding strand, the complement: LTBP2 is on the minus strand). VCF-style: chr14-74611736-C-T. GRCh37 (hg19) VCF-style: chr14-75078439-C-T.
Other names: c.209G>A (NM_000428.2); short protein forms S70N.
Identifiers: ClinVar variation 1386367 (VCV001386367.8), dbSNP rs1345773991, ClinGen allele CA390388405.